The following is an entry in ClinVar:

NM_001367624.2(ZNF469):c.2783C>T (p.Ser928Phe)

Gene: ZNF469 (zinc finger protein 469; plus strand). Cytogenetic location: 16q24.2.
Variant type: single nucleotide variant.
Coding change: c.2783C>T on transcript NM_001367624.2 (MANE Select); coding-DNA position 2783, C replaced by T.
Protein change: p.Ser928Phe; replaces serine 928 with phenylalanine.
Molecular consequence: missense variant.
Genome position (GRCh38, 1-based): chr16:88,430,253, C>T. VCF-style: chr16-88430253-C-T. GRCh37 (hg19) VCF-style: chr16-88496661-C-T.
Other names: NM_001127464.2:c.2783C>T; short protein forms S928F.
Identifiers: ClinVar variation 3346628 (VCV003346628.1).

ClinVar aggregate classification (germline): Uncertain significance (0 of 4 stars; one submission).

Conditions:
ZNF469-related disorder. Also called: ZNF469-related condition.

gnomAD v4.1: 1 of 1,525,048 alleles (0.000066%); highest among the groups gnomAD compares: Non-Finnish European, 0.000088%; no homozygotes.

Submission:

PreventionGenetics, part of Exact Sciences
Classification: Uncertain significance for ZNF469-related condition. Last evaluated: 2024-09-18. Review status: no assertion criteria provided. Collection method: clinical testing. Allele origin: germline.
Comment: The ZNF469 c.2783C>T variant is predicted to result in the amino acid substitution p.Ser928Phe. To our knowledge, this variant has not been reported in the literature. This variant is reported in 0.0% of alleles in individuals of African descent in gnomAD. At this time, the clinical significance of this variant is uncertain due to the absence of conclusive functional and genetic evidence.